The following is an entry in ClinVar:

NM_016038.4(SBDS):c.635T>C (p.Ile212Thr)

Gene: SBDS (SBDS ribosome maturation factor; minus strand). Cytogenetic location: 7q11.21.
Variant type: single nucleotide variant.
Coding change: c.635T>C on transcript NM_016038.4 (MANE Select); coding-DNA position 635, T replaced by C.
Protein change: p.Ile212Thr; replaces isoleucine 212 with threonine.
Molecular consequence: missense variant.
Genome position (GRCh38, 1-based): chr7:66,988,489, A>G on the plus strand (T>C on the coding strand, the complement: SBDS is on the minus strand). VCF-style: chr7-66988489-A-G. GRCh37 (hg19) VCF-style: chr7-66453476-A-G.
Other names: NM_016038.2(SBDS):c.635T>C(p.Ile212Thr); c.635T>C (NM_016038.3); short protein forms I212T.
Identifiers: ClinVar variation 21543 (VCV000021543.27), dbSNP rs79344818, ClinGen allele CA249202.

ClinVar aggregate classification (germline): Benign/Likely benign. Review status: criteria provided, multiple submitters, no conflicts (2 of 4 stars). 17 submissions from 16 submitters: Benign (9); Likely benign (5). 3 of the submissions do not count toward it. Last evaluated 2026-01-22.

Conditions:
Inborn genetic diseases. Identifiers: MedGen C0950123, MeSH D030342.
Aplastic anemia. Identifiers: Orphanet 182040, Orphanet 88, MedGen C0002874, MONDO:0015909, OMIM 609135, HP:0001915.
Shwachman-Diamond syndrome 1 (SDS1). Also called: LIPOMATOSIS OF PANCREAS, CONGENITAL. Identifiers: MedGen C4692625, MONDO:0044204, OMIM 260400.

Allele frequency attached by ClinVar (database versions not stated): 1000 Genomes Project 30x 0.01593; 1000 Genomes Project 0.01697; ExAC 0.02477; gnomAD 0.02508 and 0.02573; gnomAD exomes 0.02531 and 0.03333; TOPMed 0.02775; ESP Exome Variant Server 0.02791.

Submissions (17):

Women's Health and Genetics/Laboratory Corporation of America, LabCorp
Classification: Likely benign. Last evaluated: 2026-01-22. Review status: criteria provided, single submitter. Criteria: LabCorp Variant Classification Summary - May 2015. Collection method: clinical testing. Allele origin: germline.

KCCC/NGS Laboratory, Kuwait Cancer Control Center
Classification: Benign for Aplastic anemia. Last evaluated: 2025-02-01. Review status: criteria provided, single submitter. Criteria: ACMG Guidelines, 2015. Collection method: clinical testing. Allele origin: germline. Affected: no.

Blueprint Genetics
Classification: Likely benign. Last evaluated: 2024-11-27. Review status: criteria provided, single submitter. Criteria: ACMG Guidelines, 2015. Collection method: clinical testing. Allele origin: germline.

KCCC/NGS Laboratory, Kuwait Cancer Control Center
Classification: Benign for Shwachman-Diamond syndrome 1. Last evaluated: 2023-07-07. Review status: criteria provided, single submitter. Criteria: ACMG Guidelines, 2015. Collection method: clinical testing. Allele origin: germline. Affected: yes.

SIB Swiss Institute of Bioinformatics
Classification: Benign for Shwachman-Diamond syndrome 1. Last evaluated: 2018-05-31. Review status: criteria provided, single submitter. Criteria: ACMG Guidelines, 2015. Collection method: curation. Allele origin: unknown.
Comment: This variant is interpreted as a Benign, for Shwachman-Diamond syndrome, in Autosomal Recessive manner. The following ACMG Tag(s) were applied: BS1 => Allele frequency is greater than expected for disorder. BS2 => Observed in a healthy adult individual for a recessive (homozygous), dominant (heterozygous), or X-linked (hemizygous) disorder, with full penetrance expected at an early age.

Mayo Clinic Laboratories, Mayo Clinic
Classification: Benign. Last evaluated: 2018-05-04. Review status: criteria provided, single submitter. Criteria: ACMG Guidelines, 2015. Collection method: clinical testing. Allele origin: germline. Observed: 91 variant alleles.

Ambry Genetics
Classification: Benign for Inborn genetic diseases. Last evaluated: 2018-02-26. Review status: criteria provided, single submitter. Criteria: Ambry Variant Classification Scheme 2023. Collection method: clinical testing. Allele origin: germline.

ARUP Laboratories, Molecular Genetics and Genomics, ARUP Laboratories
Classification: Benign. Last evaluated: 2016-12-05. Review status: criteria provided, single submitter. Criteria: ARUP Molecular Germline Variant Investigation Process. Collection method: clinical testing. Allele origin: germline.

Laboratory for Molecular Medicine, Mass General Brigham Personalized Medicine
Classification: Likely benign. Last evaluated: 2016-03-29. Review status: criteria provided, single submitter. Criteria: LMM Criteria. Collection method: clinical testing. Allele origin: germline.
Comment: Variant identified in a genome or exome case(s) and assessed due to predicted null impact of the variant or pathogenic assertions in the literature or databases. Disclaimer: This variant has not undergone full assessment. The following are preliminary notes: Frequency in ESP (all): 363/13006=2.79%

Genomic Diagnostic Laboratory, Division of Genomic Diagnostics, Children's Hospital of Philadelphia
Classification: Benign. Last evaluated: 2015-07-10. Review status: criteria provided, single submitter. Criteria: DGD Variant Analysis Guidelines. Collection method: clinical testing. Allele origin: unknown.

GeneDx
Classification: Benign. Last evaluated: 2015-03-03. Review status: criteria provided, single submitter. Criteria: GeneDx Variant Classification Process June 2021. Collection method: clinical testing. Allele origin: germline. Affected: yes.
Comment: This variant is associated with the following publications: (PMID: 27153395, 27884173, 12496757, 21228398, 15701631, 22995991)

Genome Diagnostics Laboratory, University Medical Center Utrecht
Classification: Likely benign for Shwachman-Diamond syndrome 1. Last evaluated: 2014-10-09. Review status: criteria provided, single submitter. Criteria: ACGS Guidelines, 2013. Collection method: clinical testing. Allele origin: germline. Affected: yes. Study: VKGL Data-share Consensus.

Breakthrough Genomics
Classification: Likely benign. Review status: criteria provided, single submitter. Criteria: ACMG Guidelines, 2015. Collection method: not provided. Allele origin: germline. Inheritance: Autosomal recessive inheritance. Affected: yes.

PreventionGenetics, part of Exact Sciences
Classification: Benign. Review status: criteria provided, single submitter. Criteria: ACMG Guidelines, 2015. Collection method: clinical testing. Allele origin: germline.

Genome Diagnostics Laboratory, Amsterdam University Medical Center
Classification: Benign for Shwachman-Diamond syndrome 1. Last evaluated: 2015-07-21. Review status: no assertion criteria provided. Criteria: ACGS Guidelines, 2013. Collection method: clinical testing. Allele origin: germline. Affected: yes. Study: VKGL Data-share Consensus. Not counted in ClinVar's aggregate classification.

Diagnostic Laboratory, Department of Genetics, University Medical Center Groningen
Classification: Benign for Shwachman-Diamond syndrome 1. Review status: no assertion criteria provided. Collection method: clinical testing. Allele origin: germline. Affected: yes. Study: VKGL Data-share Consensus. Not counted in ClinVar's aggregate classification.

Laboratory of Diagnostic Genome Analysis, Leiden University Medical Center (LUMC)
Classification: Benign. Review status: no assertion criteria provided. Collection method: clinical testing. Allele origin: germline. Affected: yes. Study: VKGL Data-share Consensus. Not counted in ClinVar's aggregate classification.